The following is an entry in ClinVar:

ClinVar aggregate classification (germline): Uncertain significance. Review status: criteria provided, multiple submitters, no conflicts (2 of 4 stars). 3 submissions from 3 submitters: Uncertain significance (3). Last evaluated 2026-09-10.

Conditions:
Inborn genetic diseases. Identifiers: MedGen C0950123, MeSH D030342.

Allele frequency attached by ClinVar (database versions not stated): TOPMed below 0.00001; ExAC 0.00001; gnomAD exomes below 0.00001 and 0.00002.
gnomAD v4.1: 22 of 1,613,770 alleles (0.0014%); highest among the groups gnomAD compares: South Asian, 0.0022%; no homozygotes.

Submissions (3):

Ambry Genetics
Classification: Uncertain significance for Inborn genetic diseases. Last evaluated: 2026-09-10. Review status: criteria provided, single submitter. Criteria: Ambry Variant Classification Scheme 2023. Collection method: clinical testing. Allele origin: germline.
Comment: The c.4357G>A (p.G1453S) alteration is located in exon 60 (coding exon 60) of the COL11A2 gene. This alteration results from a G to A substitution at nucleotide position 4357, causing the glycine (G) at amino acid position 1453 to be replaced by a serine (S). Based on data from gnomAD, the A allele has an overall frequency of <0.001% (1/250532) total alleles studied. The highest observed frequency was 0.003% (1/30590) of South Asian alleles. Based on insufficient or conflicting evidence, the clinical significance of this alteration remains unclear.

Labcorp Genetics (formerly Invitae), Labcorp
Classification: Uncertain significance. Last evaluated: 2024-02-17. Review status: criteria provided, single submitter. Criteria: Invitae Variant Classification Sherloc (09022015). Collection method: clinical testing. Allele origin: germline.
Comment: This sequence change replaces glycine, which is neutral and non-polar, with serine, which is neutral and polar, at codon 1453 of the COL11A2 protein (p.Gly1453Ser). This variant is present in population databases (rs771888326, gnomAD 0.003%). This variant has not been reported in the literature in individuals affected with COL11A2-related conditions. ClinVar contains an entry for this variant (Variation ID: 1403103). Advanced modeling of protein sequence and biophysical properties (such as structural, functional, and spatial information, amino acid conservation, physicochemical variation, residue mobility, and thermodynamic stability) performed at Invitae indicates that this missense variant is expected to disrupt COL11A2 protein function with a positive predictive value of 95%. In summary, the available evidence is currently insufficient to determine the role of this variant in disease. Therefore, it has been classified as a Variant of Uncertain Significance.

GeneDx
Classification: Uncertain significance. Last evaluated: 2022-07-27. Review status: criteria provided, single submitter. Criteria: GeneDx Variant Classification Process June 2021. Collection method: clinical testing. Allele origin: germline. Affected: yes.
Comment: Not observed at significant frequency in large population cohorts (gnomAD); In silico analysis supports that this missense variant has a deleterious effect on protein structure/function; Has not been previously published as pathogenic or benign to our knowledge

NM_080680.3(COL11A2):c.4357G>A (p.Gly1453Ser)

Gene: COL11A2 (collagen type XI alpha 2 chain; minus strand). Cytogenetic location: 6p21.32.
Variant type: single nucleotide variant.
Coding change: c.4357G>A on transcript NM_080680.3 (MANE Select); coding-DNA position 4357, G replaced by A.
Protein change: p.Gly1453Ser; replaces glycine 1453 with serine.
Molecular consequence: missense variant.
Genome position (GRCh38, 1-based): chr6:33,166,548, C>T on the plus strand (G>A on the coding strand, the complement: COL11A2 is on the minus strand). VCF-style: chr6-33166548-C-T. GRCh37 (hg19) VCF-style: chr6-33134325-C-T.
Other names: c.4036G>A, p.Gly1346Ser (NM_080679.3); c.4099G>A, p.Gly1367Ser (NM_080681.3); c.4357G>A (NM_080680.2); short protein forms G1453S, G1346S, G1367S.
Identifiers: ClinVar variation 1403103 (VCV001403103.11), dbSNP rs771888326, ClinGen allele CA3750120.